The following is an entry in ClinVar:

ClinVar aggregate classification (germline): Likely benign. Review status: criteria provided, multiple submitters, no conflicts (2 of 4 stars). 2 submissions from 2 submitters: Likely benign (2). Last evaluated 2025-02-27.

Conditions:
Familial cancer of breast. Also called: BREAST CANCER, FAMILIAL; hereditary breast carcinoma; Hereditary breast cancer. Identifiers: Orphanet 227535, MedGen C0346153, MONDO:0016419, OMIM 114480. Disease mechanism: loss of function.

Submissions (2):

Labcorp Genetics (formerly Invitae), Labcorp
Classification: Likely benign for Familial cancer of breast. Last evaluated: 2025-02-27. Review status: criteria provided, single submitter. Criteria: Invitae Variant Classification Sherloc (09022015). Collection method: clinical testing. Allele origin: germline.

Myriad Genetics, Inc.
Classification: Likely benign for Familial cancer of breast. Last evaluated: 2024-07-24. Review status: criteria provided, single submitter. Criteria: Myriad Autosomal Dominant, Autosomal Recessive and X-Linked Classification Criteria (2023). Collection method: clinical testing. Allele origin: unknown.
Comment: This variant is considered likely benign. This variant is intronic and is not expected to impact mRNA splicing.

NM_000465.4(BARD1):c.1315-8T>C

Gene: BARD1 (BRCA1 associated RING domain 1; minus strand). Cytogenetic location: 2q35.
Variant type: single nucleotide variant.
Coding change: c.1315-8T>C on transcript NM_000465.4 (MANE Select); 8 bases into the intron before coding-DNA position 1315, T replaced by C.
Molecular consequence: intron variant.
Genome position (GRCh38, 1-based): chr2:214,769,320, A>G on the plus strand (T>C on the coding strand, the complement: BARD1 is on the minus strand). VCF-style: chr2-214769320-A-G. GRCh37 (hg19) VCF-style: chr2-215634044-A-G.
Other names: c.159-16765T>C (NM_001282548.2); c.1258-8T>C (NM_001282543.2); c.216-16765T>C (NM_001282545.2); c.364+22977T>C (NM_001282549.2).
Identifiers: ClinVar variation 742686 (VCV000742686.11), dbSNP rs1574793100, ClinGen allele CA915941684.